The following is an entry in ClinVar:

ClinVar aggregate classification (germline): Likely benign. Review status: criteria provided, multiple submitters, no conflicts (2 of 4 stars). 5 submissions from 5 submitters: Likely benign (5). Last evaluated 2026-05-13.

Conditions:
Inborn genetic diseases. Identifiers: MedGen C0950123, MeSH D030342.
Kabuki syndrome. Also called: NIIKAWA-KUROKI SYNDROME; Kabuki make-up syndrome. Identifiers: Orphanet 2322, MedGen C0796004, MONDO:0016512.

Allele frequency attached by ClinVar (database versions not stated): TOPMed 0.00004; gnomAD exomes 0.00005 and 0.00010; gnomAD 0.00006 and 0.00007; ExAC 0.00007.
gnomAD v4.1: 157 of 1,571,332 alleles (0.01%); highest among the groups gnomAD compares: Non-Finnish European, 0.012%; no homozygotes.

Submissions (5):

Ambry Genetics
Classification: Likely benign for Inborn genetic diseases. Last evaluated: 2026-05-13. Review status: criteria provided, single submitter. Criteria: Ambry Variant Classification Scheme 2023. Collection method: clinical testing. Allele origin: germline.

Women's Health and Genetics/Laboratory Corporation of America, LabCorp
Classification: Likely benign. Last evaluated: 2025-12-02. Review status: criteria provided, single submitter. Criteria: LabCorp Variant Classification Summary - May 2015. Collection method: clinical testing. Allele origin: germline.

Labcorp Genetics (formerly Invitae), Labcorp
Classification: Likely benign for Kabuki syndrome. Last evaluated: 2025-10-18. Review status: criteria provided, single submitter. Criteria: Invitae Variant Classification Sherloc (09022015). Collection method: clinical testing. Allele origin: germline.

CeGaT Center for Human Genetics Tuebingen
Classification: Likely benign. Last evaluated: 2024-02-01. Review status: criteria provided, single submitter. Criteria: CeGaT Center For Human Genetics Tuebingen Variant Classification Criteria Version 2. Collection method: clinical testing. Allele origin: germline. Affected: yes. Observed: 1 variant allele.
Comment: KMT2D: BP4, BP7

Blueprint Genetics
Classification: Likely benign. Last evaluated: 2023-01-19. Review status: criteria provided, single submitter. Criteria: ACMG Guidelines, 2015. Collection method: clinical testing. Allele origin: germline.

NM_003482.4(KMT2D):c.9718C>T (p.Leu3240=)

Gene: KMT2D (lysine methyltransferase 2D; minus strand). Cytogenetic location: 12q13.12.
Variant type: single nucleotide variant.
Coding change: c.9718C>T on transcript NM_003482.4 (MANE Select); coding-DNA position 9718, C replaced by T.
Protein change: p.Leu3240=; no amino-acid change (leucine 3240 retained).
Molecular consequence: synonymous variant.
Genome position (GRCh38, 1-based): chr12:49,037,638, G>A on the plus strand (C>T on the coding strand, the complement: KMT2D is on the minus strand). VCF-style: chr12-49037638-G-A. GRCh37 (hg19) VCF-style: chr12-49431421-G-A.
Other names: c.9718C>T (NM_003482.3).
Identifiers: ClinVar variation 1595608 (VCV001595608.33), dbSNP rs766458553, ClinGen allele CA6546653.